The following is an entry in ClinVar:

ClinVar aggregate classification (germline): Benign. Review status: criteria provided, multiple submitters, no conflicts (2 of 4 stars). 3 submissions from 3 submitters: Benign (2). 1 of the submissions does not count toward it. Last evaluated 2018-04-26.

Conditions:
FAT3-related disorder. Also called: FAT3-related condition.

Allele frequency attached by ClinVar (database versions not stated): gnomAD exomes 0.00249 and 0.00665; ExAC 0.00792; gnomAD 0.02648; 1000 Genomes Project 0.02756; 1000 Genomes Project 30x 0.02858; ESP Exome Variant Server 0.02946; TOPMed 0.03087.

Submissions (3):

Labcorp Genetics (formerly Invitae), Labcorp
Classification: Benign. Last evaluated: 2018-04-26. Review status: criteria provided, single submitter. Criteria: Invitae Variant Classification Sherloc (09022015). Collection method: clinical testing. Allele origin: germline.

Breakthrough Genomics
Classification: Benign. Review status: criteria provided, single submitter. Criteria: ACMG Guidelines, 2015. Collection method: not provided. Allele origin: germline. Inheritance: Unknown mechanism. Affected: yes.

PreventionGenetics, part of Exact Sciences
Classification: Benign for FAT3-related condition. Last evaluated: 2019-11-06. Review status: no assertion criteria provided. Collection method: clinical testing. Allele origin: germline. Not counted in ClinVar's aggregate classification.
Comment: This variant is classified as benign based on ACMG/AMP sequence variant interpretation guidelines (Richards et al. 2015 PMID: 25741868, with internal and published modifications).

NM_001367949.2(FAT3):c.3822G>A (p.Pro1274=)

Gene: FAT3 (FAT atypical cadherin 3; plus strand). Cytogenetic location: 11q14.3.
Variant type: single nucleotide variant.
Coding change: c.3822G>A on transcript NM_001367949.2 (MANE Select); coding-DNA position 3822, G replaced by A.
Protein change: p.Pro1274=; no amino-acid change (proline 1274 retained).
Molecular consequence: synonymous variant.
Genome position (GRCh38, 1-based): chr11:92,762,008, G>A. VCF-style: chr11-92762008-G-A. GRCh37 (hg19) VCF-style: chr11-92495174-G-A.
Other names: c.3822G>A, p.Pro1274= (NM_001008781.3).
Identifiers: ClinVar variation 775295 (VCV000775295.6), dbSNP rs7108160, ClinGen allele CA6226762.
Genomic context (GRCh38, chr11:92,762,008, plus strand): 5'-CCCAGAGAAGGTCTACCAGATCAAGCTGCCAGAACGTGACCGAAAGAAGAGAGGAGAACC[G>A]ATTTACAGGGCTTTTGCATTTGATAGAGATGAGGGCCCCAACGCAGAAATCTCCTACAGT-3'
Protein context (NP_001354878.1, residues 1264-1284): PERDRKKRGE[Pro1274=]IYRAFAFDRD